The following is an entry in ClinVar:

ClinVar aggregate classification (germline): Benign/Likely benign. Review status: criteria provided, multiple submitters, no conflicts (2 of 4 stars). 5 submissions from 5 submitters: Benign (1); Likely benign (4). Last evaluated 2026-01-28.

Allele frequency attached by ClinVar (database versions not stated): 1000 Genomes Project 0.00120; TOPMed 0.00136; ExAC 0.00154; 1000 Genomes Project 30x 0.00156; ESP Exome Variant Server 0.00185; gnomAD exomes 0.00186 and 0.00201; gnomAD 0.00188 and 0.00202.
gnomAD v4.1: 3,123 of 1,584,730 alleles (0.2%); highest among the groups gnomAD compares: Non-Finnish European, 0.22%; 7 homozygotes.

Submissions (5):

Labcorp Genetics (formerly Invitae), Labcorp
Classification: Benign. Last evaluated: 2026-01-28. Review status: criteria provided, single submitter. Criteria: Invitae Variant Classification Sherloc (09022015). Collection method: clinical testing. Allele origin: germline.

Blueprint Genetics
Classification: Likely benign. Last evaluated: 2024-11-23. Review status: criteria provided, single submitter. Criteria: ACMG Guidelines, 2015. Collection method: clinical testing. Allele origin: germline.

CeGaT Center for Human Genetics Tuebingen
Classification: Likely benign. Last evaluated: 2024-10-01. Review status: criteria provided, single submitter. Criteria: CeGaT Center For Human Genetics Tuebingen Variant Classification Criteria Version 2. Collection method: clinical testing. Allele origin: germline. Affected: yes. Observed: 6 variant alleles.
Comment: CEP135: BP4, BS2

GeneDx
Classification: Likely benign. Last evaluated: 2018-11-30. Review status: criteria provided, single submitter. Criteria: GeneDx Variant Classification Process June 2021. Collection method: clinical testing. Allele origin: germline. Affected: yes.

Genetic Services Laboratory, University of Chicago
Classification: Likely benign for AllHighlyPenetrant. Last evaluated: 2013-09-27. Review status: criteria provided, single submitter. Criteria: ACMG Guidelines, 2007. Collection method: clinical testing. Allele origin: germline. Inheritance: Autosomal recessive inheritance.

NM_025009.5(CEP135):c.2755A>C (p.Arg919=)

Gene: CEP135 (centrosomal protein 135; plus strand). Cytogenetic location: 4q12.
Variant type: single nucleotide variant.
Coding change: c.2755A>C on transcript NM_025009.5 (MANE Select); coding-DNA position 2755, A replaced by C.
Protein change: p.Arg919=; no amino-acid change (arginine 919 retained).
Molecular consequence: synonymous variant.
Genome position (GRCh38, 1-based): chr4:56,011,938, A>C. VCF-style: chr4-56011938-A-C. GRCh37 (hg19) VCF-style: chr4-56878104-A-C.
Identifiers: ClinVar variation 128698 (VCV000128698.42), dbSNP rs151170797, ClinGen allele CA152300.